The following is an entry in ClinVar:

ClinVar aggregate classification (germline): Likely benign (1 of 4 stars; one submission).

Allele frequency attached by ClinVar (database versions not stated): gnomAD 0.00646; TOPMed 0.00725; 1000 Genomes Project 0.00978; 1000 Genomes Project 30x 0.01109.
gnomAD v4.1: 1,767 of 1,315,704 alleles (0.13%); highest among the groups gnomAD compares: African/African-American, 2.3%; 18 homozygotes.

Submission:

GeneDx
Classification: Likely benign. Last evaluated: 2020-01-11. Review status: criteria provided, single submitter. Criteria: GeneDx Variant Classification Process June 2021. Collection method: clinical testing. Allele origin: germline. Affected: yes.
Comment: See Variant Classification Assertion Criteria.

NM_001277115.2(DNAH11):c.8511-66A>C

Gene: DNAH11 (dynein axonemal heavy chain 11; plus strand). Cytogenetic location: 7p15.3.
Variant type: single nucleotide variant.
Coding change: c.8511-66A>C on transcript NM_001277115.2 (MANE Select); 66 bases into the intron before coding-DNA position 8511, A replaced by C.
Molecular consequence: intron variant.
Genome position (GRCh38, 1-based): chr7:21,748,514, A>C. VCF-style: chr7-21748514-A-C. GRCh37 (hg19) VCF-style: chr7-21788132-A-C.
Identifiers: ClinVar variation 1707173 (VCV001707173.2), dbSNP rs115318492, ClinGen allele CA155121163.
Genomic context (GRCh38, chr7:21,748,514, plus strand): 5'-ACTCCGGCCTGGGCAACAGAGCAAGTCTCCATCTCAAAAGCAAATAAATAAATAAAAATA[A>C]ACAGAACAGACATAGTCCCGGGGCATTTTCGATTTTGTGCCATAATGGGCGCTTCCTTTC-3'